The following is an entry in ClinVar:

ClinVar aggregate classification (germline): Uncertain significance (1 of 4 stars; one submission).

Conditions:
Familial cold autoinflammatory syndrome 2 (FCAS2). Identifiers: Orphanet 247868, MedGen C2673198, MONDO:0012724, OMIM 611762.

Allele frequency attached by ClinVar (database versions not stated): gnomAD 0.00001; TOPMed 0.00003.
gnomAD v4.1: 46 of 1,613,952 alleles (0.0029%); highest among the groups gnomAD compares: Non-Finnish European, 0.0039%; no homozygotes.

Submission:

Labcorp Genetics (formerly Invitae), Labcorp
Classification: Uncertain significance for Familial cold autoinflammatory syndrome 2. Last evaluated: 2024-12-29. Review status: criteria provided, single submitter. Criteria: Invitae Variant Classification Sherloc (09022015). Collection method: clinical testing. Allele origin: germline.
Comment: This sequence change replaces tyrosine, which is neutral and polar, with cysteine, which is neutral and slightly polar, at codon 548 of the NLRP12 protein (p.Tyr548Cys). This variant is present in population databases (no rsID available, gnomAD 0.0009%). This variant has not been reported in the literature in individuals affected with NLRP12-related conditions. ClinVar contains an entry for this variant (Variation ID: 1015257). An algorithm developed to predict the effect of missense changes on protein structure and function (PolyPhen-2) suggests that this variant is likely to be tolerated. In summary, the available evidence is currently insufficient to determine the role of this variant in disease. Therefore, it has been classified as a Variant of Uncertain Significance.

NM_144687.4(NLRP12):c.1643A>G (p.Tyr548Cys)

Gene: NLRP12 (NLR family pyrin domain containing 12; minus strand). Cytogenetic location: 19q13.42.
Variant type: single nucleotide variant.
Coding change: c.1643A>G on transcript NM_144687.4 (MANE Select); coding-DNA position 1643, A replaced by G.
Protein change: p.Tyr548Cys; replaces tyrosine 548 with cysteine.
Molecular consequence: missense variant.
Genome position (GRCh38, 1-based): chr19:53,810,016, T>C on the plus strand (A>G on the coding strand, the complement: NLRP12 is on the minus strand). VCF-style: chr19-53810016-T-C. GRCh37 (hg19) VCF-style: chr19-54313270-T-C.
Other names: c.1643A>G, p.Tyr548Cys (NM_001277126.2, NM_001277129.1); short protein forms Y548C.
Identifiers: ClinVar variation 1015257 (VCV001015257.8), dbSNP rs773087721, ClinGen allele CA407412990.
Genomic context (GRCh38, chr19:53,810,016, plus strand): 5'-TTCAGGAGTCCAAACAGGAAGCGGCTGGTGAGTGCCAGGAAGCTCCTTTCAGAAAACGCG[T>C]ACTCGGTCAACAGCCTGGTCACGTCCTGGTCTGGGCCTGCCCCGCCCTCCCCCTCGTCCA-3'
Protein context (NP_653288.1, residues 538-558): DQDVTRLLTE[Tyr548Cys]AFSERSFLAL